The following is an entry in ClinVar:

ClinVar aggregate classification (germline): Uncertain significance. Review status: criteria provided, multiple submitters, no conflicts (2 of 4 stars). 2 submissions from 2 submitters: Uncertain significance (2). Last evaluated 2023-08-24.

Allele frequency attached by ClinVar (database versions not stated): TOPMed 0.00001.
gnomAD v4.1: 1 of 1,441,786 alleles (0.000069%); highest among the groups gnomAD compares: African/African-American, 0.0015%; no homozygotes.

Submissions (2):

Labcorp Genetics (formerly Invitae), Labcorp
Classification: Uncertain significance. Last evaluated: 2023-08-24. Review status: criteria provided, single submitter. Criteria: Invitae Variant Classification Sherloc (09022015). Collection method: clinical testing. Allele origin: germline.
Comment: In summary, the available evidence is currently insufficient to determine the role of this variant in disease. Therefore, it has been classified as a Variant of Uncertain Significance. Algorithms developed to predict the effect of missense changes on protein structure and function output the following: SIFT: "Not Available"; PolyPhen-2: "Benign"; Align-GVGD: "Not Available". The leucine amino acid residue is found in multiple mammalian species, which suggests that this missense change does not adversely affect protein function. ClinVar contains an entry for this variant (Variation ID: 863603). This variant has not been reported in the literature in individuals affected with ARHGEF18-related conditions. This variant is not present in population databases (gnomAD no frequency). This sequence change replaces arginine, which is basic and polar, with leucine, which is neutral and non-polar, at codon 908 of the ARHGEF18 protein (p.Arg908Leu).

Blueprint Genetics
Classification: Uncertain significance. Last evaluated: 2019-07-18. Review status: criteria provided, single submitter. Criteria: ACMG Guidelines, 2015. Collection method: clinical testing. Allele origin: germline.

NM_001367823.1(ARHGEF18):c.3287G>T (p.Arg1096Leu)

Gene: ARHGEF18 (Rho/Rac guanine nucleotide exchange factor 18; plus strand). Cytogenetic location: 19p13.2.
Variant type: single nucleotide variant.
Coding change: c.3287G>T on transcript NM_001367823.1 (MANE Select); coding-DNA position 3287, G replaced by T.
Protein change: p.Arg1096Leu; replaces arginine 1096 with leucine.
Molecular consequence: missense variant.
Genome position (GRCh38, 1-based): chr19:7,467,491, G>T. VCF-style: chr19-7467491-G-T. GRCh37 (hg19) VCF-style: chr19-7532377-G-T.
Other names: c.2561G>T, p.Arg854Leu (NM_001130955.2); c.2249G>T, p.Arg750Leu (NM_001367824.1, NM_015318.4); short protein forms R854L, R750L, R1096L.
Identifiers: ClinVar variation 863603 (VCV000863603.12), dbSNP rs1345634723, ClinGen allele CA403088787.